The following is an entry in ClinVar:

ClinVar aggregate classification (germline): Uncertain significance (1 of 4 stars; one submission).

Conditions:
Inborn genetic diseases. Identifiers: MedGen C0950123, MeSH D030342.

Allele frequency attached by ClinVar (database versions not stated): gnomAD exomes below 0.00001; gnomAD 0.00001; TOPMed 0.00001.
gnomAD v4.1: 2 of 1,614,104 alleles (0.00012%); highest among the groups gnomAD compares: Admixed American, 0.0033%; no homozygotes.

Submission:

Ambry Genetics
Classification: Uncertain significance for Inborn genetic diseases. Last evaluated: 2020-04-29. Review status: criteria provided, single submitter. Criteria: Ambry Variant Classification Scheme 2023. Collection method: clinical testing. Allele origin: germline.
Comment: The alteration results in an amino acid change:_x000D_ _x000D_ The c.1466A>G (p.D489G) alteration is located in coding exon 9 of the MED13 gene. This alteration results from a A to G substitution at nucleotide position 1466, causing the aspartic acid (D) at amino acid position 489 to be replaced by a glycine (G). The alteration is rare in population databases: _x000D_ _x000D_ Based on data from the Genome Aggregation Database (gnomAD), the c.1466A>G alteration was observed in 0.0004% (1/249,486) of total alleles studied. The altered amino acid is not conserved throughout evolution:_x000D_ _x000D_ The p.D489 amino acid is not conserved in available vertebrate species. The alteration is predicted tolerated by in silico modeling:_x000D_ _x000D_ The p.D489G alteration is predicted to be tolerated by in silico analysis. Based on insufficient or conflicting evidence, the clinical significance of this alteration remains unclear.

NM_005121.3(MED13):c.1466A>G (p.Asp489Gly)

Gene: MED13 (mediator complex subunit 13; minus strand). Cytogenetic location: 17q23.2.
Variant type: single nucleotide variant.
Coding change: c.1466A>G on transcript NM_005121.3 (MANE Select); coding-DNA position 1466, A replaced by G.
Protein change: p.Asp489Gly; replaces aspartic acid 489 with glycine.
Molecular consequence: missense variant.
Genome position (GRCh38, 1-based): chr17:62,011,051, T>C on the plus strand (A>G on the coding strand, the complement: MED13 is on the minus strand). VCF-style: chr17-62011051-T-C. GRCh37 (hg19) VCF-style: chr17-60088412-T-C.
Other names: short protein forms D489G.
Identifiers: ClinVar variation 2398923 (VCV002398923.2), dbSNP rs1199798969, ClinGen allele CA400518884.